The following is an entry in ClinVar:

ClinVar aggregate classification (germline): Uncertain significance (1 of 4 stars; one submission).

Conditions:
Dyskeratosis congenita, autosomal recessive 5 (DKCB5). Identifiers: MedGen C3554656, MONDO:0014076, OMIM 615190.
Pulmonary fibrosis and/or bone marrow failure, Telomere-related, 3. Also called: PULMONARY FIBROSIS AND/OR BONE MARROW FAILURE SYNDROME, TELOMERE-RELATED, 3. Identifiers: Orphanet 2032, MedGen C4225346, MONDO:0014613, OMIM 616373.

Submission:

Labcorp Genetics (formerly Invitae), Labcorp
Classification: Uncertain significance for Dyskeratosis congenita, autosomal recessive 5; Pulmonary fibrosis and/or bone marrow failure, Telomere-related, 3. Last evaluated: 2023-04-07. Review status: criteria provided, single submitter. Criteria: Invitae Variant Classification Sherloc (09022015). Collection method: clinical testing. Allele origin: germline.
Comment: In summary, the available evidence is currently insufficient to determine the role of this variant in disease. Therefore, it has been classified as a Variant of Uncertain Significance. Algorithms developed to predict the effect of sequence changes on RNA splicing suggest that this variant may create or strengthen a splice site. An algorithm developed to predict the effect of missense changes on protein structure and function (PolyPhen-2) suggests that this variant is likely to be disruptive. This variant has not been reported in the literature in individuals affected with RTEL1-related conditions. This variant is not present in population databases (gnomAD no frequency). This sequence change replaces proline, which is neutral and non-polar, with arginine, which is basic and polar, at codon 225 of the RTEL1 protein (p.Pro225Arg).

NM_001283009.2(RTEL1):c.674C>G (p.Pro225Arg)

Genes: RTEL1-TNFRSF6B (RTEL1-TNFRSF6B readthrough (NMD candidate); plus strand), RTEL1 (regulator of telomere elongation helicase 1; plus strand). Cytogenetic location: 20q13.33.
Variant type: single nucleotide variant.
Coding change: c.674C>G on transcript NM_001283009.2 (MANE Select); coding-DNA position 674, C replaced by G.
Protein change: p.Pro225Arg; replaces proline 225 with arginine.
Molecular consequence: missense variant. On other transcripts: non-coding transcript variant (1).
Genome position (GRCh38, 1-based): chr20:63,667,528, C>G. VCF-style: chr20-63667528-C-G. GRCh37 (hg19) VCF-style: chr20-62298881-C-G.
Other names: c.5C>G, p.Pro2Arg (NM_001283010.1); c.674C>G, p.Pro225Arg (NM_016434.4); c.746C>G, p.Pro249Arg (NM_032957.5); short protein forms P249R, P2R, P225R.
Identifiers: ClinVar variation 2946274 (VCV002946274.3), dbSNP rs772748212, ClinGen allele CA409670741.